The following is an entry in ClinVar:

ClinVar aggregate classification (germline): Benign/Likely benign. Review status: criteria provided, multiple submitters, no conflicts (2 of 4 stars). 4 submissions from 4 submitters: Benign (1); Likely benign (2). 1 of the submissions does not count toward it. Last evaluated 2024-10-11.

Conditions:
Polycystic kidney disease. Also called: Polycystic kidney dysplasia; Kidney, Polycystic. Identifiers: MedGen C0022680, MeSH D007690, MONDO:0020642, HP:0000113.

Allele frequency attached by ClinVar (database versions not stated): gnomAD 0.00016 and 0.00025; gnomAD exomes 0.00018 and 0.00049; TOPMed 0.00020; ExAC 0.00053; 1000 Genomes Project 30x 0.00187; 1000 Genomes Project 0.00220.
gnomAD v4.1: 301 of 1,610,480 alleles (0.019%); highest among the groups gnomAD compares: East Asian, 0.56%; no homozygotes.

Submissions (4):

Blueprint Genetics
Classification: Likely benign. Last evaluated: 2024-10-11. Review status: criteria provided, single submitter. Criteria: ACMG Guidelines, 2015. Collection method: clinical testing. Allele origin: germline.

GeneDx
Classification: Likely benign. Last evaluated: 2020-04-15. Review status: criteria provided, single submitter. Criteria: GeneDx Variant Classification Process June 2021. Collection method: clinical testing. Allele origin: germline. Affected: yes.
Comment: This variant is associated with the following publications: (PMID: 31730820, 24575920, 22185115, 31030424, 27567292)

Athena Diagnostics
Classification: Benign. Last evaluated: 2017-05-03. Review status: criteria provided, single submitter. Criteria: Athena Diagnostics Criteria. Collection method: clinical testing. Allele origin: germline.

Department of Pathology and Laboratory Medicine, Sinai Health System
Classification: Likely benign for Polycystic Kidney disease. Review status: no assertion criteria provided. Collection method: clinical testing. Allele origin: unknown. Affected: yes. Study: The Canadian Open Genetics Repository (COGR). Not counted in ClinVar's aggregate classification.
Comment: The PKD1 p.Ala2815Val variant was identified in 3 of 430 proband chromosomes (frequency: 0.007) from individuals or families with ADPKD and was present in 3 of 500 control chromosomes (frequency: 0.006) from healthy individuals (Hirota 2016, Yu 2011). The variant was also identified in dbSNP (ID: rs183084156) as "With Benign allele", ClinVar (classified as benign by Athena Diagnostics), and in ADPKD Mutation Database (as likely neutral). The variant was not identified in LOVD 3.0 or PKD1-LOVD. The variant was identified in control databases in 123 of 275604 chromosomes at a frequency of 0.0005 increasing the likelihood this could be a low frequency benign variant (Genome Aggregation Database Feb 27, 2017). The variant was observed in the following populations: Other in 1 of 6432 chromosomes (freq: 0.0002), European in 2 of 125478 chromosomes (freq: 0.00002), East Asian in 119 of 18844 chromosomes (freq: 0.006), and South Asian in 1 of 30774 chromosomes (freq: 0.00003), but was not observed in the African, Latino, Ashkenazi Jewish, and Finnish, populations. In addition we cannot be certain that data from control databases is specific to PKD1 and not from one of the six PKD1 pseudogenes. The variant was also identified in two cases with a co-occurring pathogenic PKD1 variant (c.856_862del p.Gly287* and c.8470C>T p.Gln2824*) in our laboratory and with PKD1 variant (c.12444G>A Glu4148fs, Yu 2014), increasing the likelihood that the p.Ala2815Val variant does not have clinical significance. The p.Ala2815 residue is not conserved in mammals and computational analyses (PolyPhen-2, SIFT, AlignGVGD, BLOSUM, MutationTaster) do not suggest a high likelihood of impact to the protein; however, this information is not predictive enough to rule out pathogenicity. The variant occurs outside of the splicing consensus sequence and in silico or computational prediction software programs (SpliceSiteFinder, MaxEntScan, NNSPLICE, GeneSplicer) do not predict a difference in splicing. In summary, based on the above information the clinical significance of this variant cannot be determined with certainty at this time although we would lean towards a more benign role for this variant. This variant is classified as likely benign.

Literature cited by the submitters: PubMed 22185115 (cited by Athena Diagnostics); PubMed 27567292 (cited by Athena Diagnostics); PubMed 24575920 (cited by Athena Diagnostics).

NM_001009944.3(PKD1):c.8444C>T (p.Ala2815Val)

Gene: PKD1 (polycystin 1, transient receptor potential channel interacting; minus strand). Cytogenetic location: 16p13.3.
Variant type: single nucleotide variant.
Coding change: c.8444C>T on transcript NM_001009944.3 (MANE Select); coding-DNA position 8444, C replaced by T.
Protein change: p.Ala2815Val; replaces alanine 2815 with valine.
Molecular consequence: missense variant.
Genome position (GRCh38, 1-based): chr16:2,103,613, G>A on the plus strand (C>T on the coding strand, the complement: PKD1 is on the minus strand). VCF-style: chr16-2103613-G-A. GRCh37 (hg19) VCF-style: chr16-2153614-G-A.
Other names: c.8444C>T, p.Ala2815Val (NM_000296.4); short protein forms A2815V.
Identifiers: ClinVar variation 448018 (VCV000448018.6), dbSNP rs183084156, ClinGen allele CA7830518.